The following is an entry in ClinVar:

NM_000135.4(FANCA):c.2602-2A>G

Genes: FANCA (FA complementation group A; minus strand), LOC130059837 (ATAC-STARR-seq lymphoblastoid active region 11420; plus strand). Cytogenetic location: 16q24.3.
Variant type: single nucleotide variant.
Coding change: c.2602-2A>G on transcript NM_000135.4 (MANE Select); the canonical splice acceptor site of the intron before coding-DNA position 2602, A replaced by G.
Molecular consequence: splice acceptor variant.
Genome position (GRCh38, 1-based): chr16:89,765,068, T>C on the plus strand (A>G on the coding strand, the complement: FANCA is on the minus strand). VCF-style: chr16-89765068-T-C. GRCh37 (hg19) VCF-style: chr16-89831476-T-C.
Other names: c.2602-2A>G (NM_001286167.3).
Identifiers: ClinVar variation 974239 (VCV000974239.1), dbSNP rs1555545592, ClinGen allele CA397438952.

ClinVar aggregate classification (germline): Uncertain significance (0 of 4 stars; one submission).

Conditions:
Fanconi anemia complementation group A (FANCA). Also called: Fanconi anemia, group A; FANCA-Related Fanconi Anemia. Identifiers: Orphanet 84, MedGen C3469521, MONDO:0009215, OMIM 227650.

gnomAD v4.1: 1 of 1,614,012 alleles (0.000062%); highest among the groups gnomAD compares: Non-Finnish European, 0.000085%; no homozygotes.

Submission:

Leiden Open Variation Database
Classification: Uncertain significance for Fanconi anemia complementation group A. Last evaluated: 2020-02-28. Review status: no assertion criteria provided. Collection method: curation. Allele origin: germline. Affected: yes.
Comment: Curator: Arleen D. Auerbach. Submitter to LOVD: Arleen D. Auerbach.